The following is an entry in ClinVar:

ClinVar aggregate classification (germline): Likely benign. Review status: criteria provided, multiple submitters, no conflicts (2 of 4 stars). 3 submissions from 3 submitters: Likely benign (3). Last evaluated 2026-02-03.

Conditions:
EDNRB-related disorder. Also called: EDNRB-related condition; EDNRB-related disorders.

Allele frequency attached by ClinVar (database versions not stated): gnomAD exomes 0.00001 and 0.00006; gnomAD 0.00003 and 0.00004; TOPMed 0.00006.
gnomAD v4.1: 91 of 1,612,696 alleles (0.0056%); highest among the groups gnomAD compares: Non-Finnish European, 0.0074%; no homozygotes.

Submissions (3):

PreventionGenetics, part of Exact Sciences
Classification: Likely benign for EDNRB-related condition. Last evaluated: 2026-02-03. Review status: criteria provided, single submitter. Criteria: ACMG Guidelines, 2015. Collection method: clinical testing. Allele origin: germline.
Comment: This variant is classified as likely benign based on ACMG/AMP sequence variant interpretation guidelines (Richards et al. 2015 PMID: 25741868, with internal and published modifications).

Labcorp Genetics (formerly Invitae), Labcorp
Classification: Likely benign. Last evaluated: 2025-05-16. Review status: criteria provided, single submitter. Criteria: Invitae Variant Classification Sherloc (09022015). Collection method: clinical testing. Allele origin: germline.

Women's Health and Genetics/Laboratory Corporation of America, LabCorp
Classification: Likely benign. Last evaluated: 2025-03-19. Review status: criteria provided, single submitter. Criteria: LabCorp Variant Classification Summary - May 2015. Collection method: clinical testing. Allele origin: germline.

NM_001122659.3(EDNRB):c.783G>A (p.Gln261=)

Genes: EDNRB-AS1 (EDNRB antisense RNA 1; plus strand), EDNRB (endothelin receptor type B; minus strand). Cytogenetic location: 13q22.3.
Variant type: single nucleotide variant.
Coding change: c.783G>A on transcript NM_001122659.3 (MANE Select); coding-DNA position 783, G replaced by A.
Protein change: p.Gln261=; no amino-acid change (glutamine 261 retained).
Molecular consequence: synonymous variant.
Genome position (GRCh38, 1-based): chr13:77,903,174, C>T on the plus strand (G>A on the coding strand, the complement: EDNRB is on the minus strand). VCF-style: chr13-77903174-C-T. GRCh37 (hg19) VCF-style: chr13-78477309-C-T.
Other names: c.783G>A, p.Gln261= (NM_000115.5, NM_003991.4); c.1053G>A, p.Gln351= (NM_001201397.2); c.783G>A (NM_000115.4).
Identifiers: ClinVar variation 1588851 (VCV001588851.10), dbSNP rs201072847, ClinGen allele CA253048346.